The following is an entry in ClinVar:

ClinVar aggregate classification (germline): Uncertain significance (1 of 4 stars; one submission).

Conditions:
MELAS syndrome (MELAS). Also called: Juvenile myopathy, encephalopathy, lactic acidosis, stroke. Identifiers: Orphanet 550, MedGen C0162671, MONDO:0010789, OMIM 540000.

Submission:

Wong Mito Lab, Molecular and Human Genetics, Baylor College of Medicine
Classification: Uncertain significance for MELAS syndrome. Last evaluated: 2019-07-12. Review status: criteria provided, single submitter. Criteria: Modified ACMG Guidelines (Unpublished). Collection method: clinical testing. Allele origin: germline.
Comment: The NC_012920.1:m.10462T>C variant in MT-TR gene is interpreted to be a Unknown Significance variant based on the modified ACMG guidelines (unpublished). This variant meets the following evidence codes reported in the guidelines: PP3

Literature cited by the submitters: PubMed 31965079.

NC_012920.1(MT-TR):m.10462T>C

Gene: MT-TR (mitochondrially encoded tRNA arginine; plus strand).
Variant type: single nucleotide variant.
Genome position: chrM-10462-T-C.
Identifiers: ClinVar variation 690127 (VCV000690127.1), dbSNP rs1603222850, ClinGen allele CA913163402.